The following is an entry in ClinVar:

NM_006312.6(NCOR2):c.2250C>T (p.Ser750=)

Gene: NCOR2 (nuclear receptor corepressor 2; minus strand). Cytogenetic location: 12q24.31.
Variant type: single nucleotide variant.
Coding change: c.2250C>T on transcript NM_006312.6 (MANE Select); coding-DNA position 2250, C replaced by T.
Protein change: p.Ser750=; no amino-acid change (serine 750 retained).
Molecular consequence: synonymous variant.
Genome position (GRCh38, 1-based): chr12:124,372,579, G>A on the plus strand (C>T on the coding strand, the complement: NCOR2 is on the minus strand). VCF-style: chr12-124372579-G-A. GRCh37 (hg19) VCF-style: chr12-124857125-G-A.
Other names: c.2196C>T, p.Ser732= (NM_001077261.4, NM_001206654.2).
Identifiers: ClinVar variation 3042348 (VCV003042348.2), dbSNP rs199707896, ClinGen allele CA6869120.
Genomic context (GRCh38, chr12:124,372,579, plus strand): 5'-TGGGGGCTTGGGCCCATTCTGCCCTGTGTCCTTGGCGGCCTCAGTGTGAGGAGAGGGGAT[G>A]CTCTCGGTGTCTGAGCTGTTGTTGACAGTGGCTGTGCAGGGCGAGAAGGAAGAGGGGATG-3'
Protein context (NP_006303.4, residues 740-760): ATVNNSSDTE[Ser750=]IPSPHTEAAK

ClinVar aggregate classification (germline): Likely benign (0 of 4 stars; one submission).

Conditions:
NCOR2-related disorder. Also called: NCOR2-related condition.

Allele frequency attached by ClinVar (database versions not stated): gnomAD exomes 0.00009; ExAC 0.00028; ESP Exome Variant Server 0.00040; gnomAD 0.00083; TOPMed 0.00094; 1000 Genomes Project 0.00140; 1000 Genomes Project 30x 0.00141.
gnomAD v4.1: 257 of 1,598,348 alleles (0.016%); highest among the groups gnomAD compares: African/African-American, 0.21%; no homozygotes.

Submission:

PreventionGenetics, part of Exact Sciences
Classification: Likely benign for NCOR2-related condition. Last evaluated: 2019-03-14. Review status: no assertion criteria provided. Collection method: clinical testing. Allele origin: germline.
Comment: This variant is classified as likely benign based on ACMG/AMP sequence variant interpretation guidelines (Richards et al. 2015 PMID: 25741868, with internal and published modifications).